The following is an entry in ClinVar:

ClinVar aggregate classification (germline): Uncertain significance. Review status: criteria provided, multiple submitters, no conflicts (2 of 4 stars). 2 submissions from 2 submitters: Uncertain significance (2). Last evaluated 2025-08-31.

Allele frequency attached by ClinVar (database versions not stated): 1000 Genomes Project 30x 0.00016.
gnomAD v4.1: 8 of 1,576,602 alleles (0.00051%); highest among the groups gnomAD compares: Admixed American, 0.0054%; no homozygotes.

Submissions (2):

Labcorp Genetics (formerly Invitae), Labcorp
Classification: Uncertain significance. Last evaluated: 2025-08-31. Review status: criteria provided, single submitter. Criteria: Invitae Variant Classification Sherloc (09022015). Collection method: clinical testing. Allele origin: germline.
Comment: This sequence change replaces threonine, which is neutral and polar, with serine, which is neutral and polar, at codon 836 of the SYNPO protein (p.Thr836Ser). This variant is present in population databases (no rsID available, gnomAD 0.003%). This variant has not been reported in the literature in individuals affected with SYNPO-related conditions. ClinVar contains an entry for this variant (Variation ID: 2188581). An algorithm developed to predict the effect of missense changes on protein structure and function (PolyPhen-2) suggests that this variant is likely to be tolerated. In summary, the available evidence is currently insufficient to determine the role of this variant in disease. Therefore, it has been classified as a Variant of Uncertain Significance.

Ambry Genetics
Classification: Uncertain significance. Last evaluated: 2025-03-20. Review status: criteria provided, single submitter. Criteria: Ambry Variant Classification Scheme 2023. Collection method: clinical testing. Allele origin: germline.

NM_007286.6(SYNPO):c.2507C>G (p.Thr836Ser)

Gene: SYNPO (synaptopodin; plus strand). Cytogenetic location: 5q33.1.
Variant type: single nucleotide variant.
Coding change: c.2507C>G on transcript NM_007286.6 (MANE Select); coding-DNA position 2507, C replaced by G.
Protein change: p.Thr836Ser; replaces threonine 836 with serine.
Molecular consequence: missense variant.
Genome position (GRCh38, 1-based): chr5:150,656,882, C>G. VCF-style: chr5-150656882-C-G. GRCh37 (hg19) VCF-style: chr5-150036444-C-G.
Other names: c.2507C>G (NM_007286.5); short protein forms T836S.
Identifiers: ClinVar variation 2188581 (VCV002188581.5), dbSNP rs752254592, ClinGen allele CA129156283.